The following is an entry in ClinVar:

NM_002890.3(RASA1):c.3091G>C (p.Glu1031Gln)

Genes: CCNH (cyclin H; minus strand), RASA1 (RAS p21 protein activator 1; plus strand). Cytogenetic location: 5q14.3.
Variant type: single nucleotide variant.
Coding change: c.3091G>C on transcript NM_002890.3 (MANE Select); coding-DNA position 3091, G replaced by C.
Protein change: p.Glu1031Gln; replaces glutamic acid 1031 with glutamine.
Molecular consequence: missense variant. On other transcripts: 3 prime UTR variant (2), non-coding transcript variant (1), intron variant (1).
Genome position (GRCh38, 1-based): chr5:87,390,830, G>C. VCF-style: chr5-87390830-G-C. GRCh37 (hg19) VCF-style: chr5-86686647-G-C.
Other names: c.2560G>C, p.Glu854Gln (NM_022650.3); c.*2030C>G (NM_001363539.2, NM_001364076.2); c.933+4214C>G (NM_001364075.2); short protein forms E1031Q, E854Q.
Identifiers: ClinVar variation 4711466 (VCV004711466.1).
Genomic context (GRCh38, chr5:87,390,830, plus strand): 5'-TTATTTTCATACCATTTTTCCTCTGTCTAGCACGTATTGAAAAAGCTTCTGGCTATAACA[G>C]AACTGCTTCAACAAAAACAAAACCAGTATACAAAAACCAATGATGTCAGGTAGCAGCCTT-3'
Protein context (NP_002881.1, residues 1021-1041): HVLKKLLAIT[Glu1031Gln]LLQQKQNQYT

ClinVar aggregate classification (germline): Uncertain significance (1 of 4 stars; one submission).

Conditions:
Capillary malformation-arteriovenous malformation syndrome. Also called: Capillary malformation-arteriovenous malformation. Identifiers: Orphanet 137667, MedGen C1842180, MONDO:0012016.

Submission:

Labcorp Genetics (formerly Invitae), Labcorp
Classification: Uncertain significance for Capillary malformation-arteriovenous malformation syndrome. Last evaluated: 2026-01-14. Review status: criteria provided, single submitter. Criteria: Invitae Variant Classification Sherloc (09022015). Collection method: clinical testing. Allele origin: germline.
Comment: This sequence change replaces glutamic acid, which is acidic and polar, with glutamine, which is neutral and polar, at codon 1031 of the RASA1 protein (p.Glu1031Gln). This variant is not present in population databases (gnomAD no frequency). This variant has not been reported in the literature in individuals affected with RASA1-related conditions. An algorithm developed to predict the effect of missense changes on protein structure and function (PolyPhen-2) suggests that this variant is likely to be disruptive. In summary, the available evidence is currently insufficient to determine the role of this variant in disease. Therefore, it has been classified as a Variant of Uncertain Significance.